The following is an entry in ClinVar:

ClinVar aggregate classification (germline): Pathogenic. Review status: criteria provided, multiple submitters, no conflicts (2 of 4 stars). 2 submissions from 2 submitters: Pathogenic (2). Last evaluated 2023-03-23.

Conditions:
Early-infantile DEE. Also called: Early infantile epileptic encephalopathy; Ohtahara syndrome; Early infantile epileptic encephalopathy with suppression bursts. Identifiers: Orphanet 1934, MedGen C0393706, MONDO:0800491.
Severe myoclonic epilepsy in infancy (DRVT). Also called: Epileptic encephalopathy, early infantile, 6 (Dravet syndrome); SEVERE MYOCLONIC EPILEPSY OF INFANCY; DEVELOPMENTAL AND EPILEPTIC ENCEPHALOPATHY 6A; Severe Myoclonic Epilepsy in Infancy (SMEI); Dravet syndrome. Identifiers: Orphanet 33069, MedGen C0751122, MONDO:0100135, OMIM 607208.

Submissions (2):

Labcorp Genetics (formerly Invitae), Labcorp
Classification: Pathogenic for Early-infantile DEE. Last evaluated: 2023-03-23. Review status: criteria provided, single submitter. Criteria: Invitae Variant Classification Sherloc (09022015). Collection method: clinical testing. Allele origin: germline.
Comment: This missense change has been observed in individual(s) with clinical features of developmental and epileptic encephalopathy and/or Dravet syndrome (PMID: 26096185; Invitae). In at least one individual the variant was observed to be de novo. For these reasons, this variant has been classified as Pathogenic. This variant disrupts the p.Glu1221 amino acid residue in SCN1A. Other variant(s) that disrupt this residue have been determined to be pathogenic (PMID: 21248271). This suggests that this residue is clinically significant, and that variants that disrupt this residue are likely to be disease-causing. Advanced modeling of protein sequence and biophysical properties (such as structural, functional, and spatial information, amino acid conservation, physicochemical variation, residue mobility, and thermodynamic stability) performed at Invitae indicates that this missense variant is expected to disrupt SCN1A protein function. ClinVar contains an entry for this variant (Variation ID: 190031). This variant is not present in population databases (gnomAD no frequency). This sequence change replaces glutamic acid, which is acidic and polar, with glutamine, which is neutral and polar, at codon 1221 of the SCN1A protein (p.Glu1221Gln).

Center for Bioinformatics, Peking University
Classification: Pathogenic for Dravet syndrome. Last evaluated: 2014-12-20. Review status: criteria provided, single submitter. Criteria: Xu et al. (Hum Mutat. 2015). Collection method: research. Allele origin: inherited. Affected: yes. Observed: 2 variant alleles. Study: University Clinical Cooperation “985 Project” PKU-2014-1-1.
Comment: Dravet syndrome (DS) probands were recruited from the outpatient and inpatient child neurology units of Peking University First Hospital from 2005 till present. The study was approved by the Ethics Committee of Peking University First Hospital and the Institutional Review Board at Peking University. Participants or their parents provided written informed consent before enrollment. We collected a total of 267 mutations from 255 families with probands diagnosed with DS in China. All probands fulfilled the clinical diagnostic criteria.

Literature cited by the submitters: PubMed 26096185 (cited by Labcorp Genetics (formerly Invitae), Labcorp); PubMed 21248271 (cited by Labcorp Genetics (formerly Invitae), Labcorp).

NM_001165963.4(SCN1A):c.3661G>C (p.Glu1221Gln)

Genes: SCN1A (sodium voltage-gated channel alpha subunit 1; minus strand), LOC102724058 (uncharacterized LOC102724058; plus strand). Cytogenetic location: 2q24.3.
Variant type: single nucleotide variant.
Coding change: c.3661G>C on transcript NM_001165963.4 (MANE Select); coding-DNA position 3661, G replaced by C.
Protein change: p.Glu1221Gln; replaces glutamic acid 1221 with glutamine.
Molecular consequence: missense variant. On other transcripts: non-coding transcript variant (1).
Genome position (GRCh38, 1-based): chr2:166,013,788, C>G on the plus strand (G>C on the coding strand, the complement: SCN1A is on the minus strand). VCF-style: chr2-166013788-C-G. GRCh37 (hg19) VCF-style: chr2-166870298-C-G.
Other names: c.3577G>C, p.Glu1193Gln (NM_001165964.3, NM_001353957.2, NM_001353958.2); c.3661G>C, p.Glu1221Gln (NM_001202435.3, NM_001353948.2); c.3628G>C, p.Glu1210Gln (NM_001353949.2, NM_001353950.2, NM_001353951.2 and 2 more transcripts); c.3625G>C, p.Glu1209Gln (NM_001353954.2, NM_001353955.2); c.3574G>C, p.Glu1192Gln (NM_001353960.2); c.1219G>C, p.Glu407Gln (NM_001353961.2); short protein forms E1210Q, E1221Q, E1193Q, E407Q, E1192Q, E1209Q.
Identifiers: ClinVar variation 190031 (VCV000190031.10), dbSNP rs794726854, ClinGen allele CA303606.
Genomic context (GRCh38, chr2:166,013,788, plus strand): 5'-TCTTAATCTCACTCACCAGAGCACCACTACTAAGGAGAATCATGAAAACAATGAAGGTCT[C>G]AAACCAGTTATGTTCAACTATTCGGAAACACGTCCTTCTCAGGTTCCACCATTGTTTTCC-3'
Protein context (NP_001159435.1, residues 1211-1231): CFRIVEHNWF[Glu1221Gln]TFIVFMILLS